The following is an entry in ClinVar:

NM_003072.5(SMARCA4):c.2549G>T (p.Ser850Ile)

Gene: SMARCA4 (SWI/SNF related BAF chromatin remodeling complex subunit ATPase 4; plus strand). Cytogenetic location: 19p13.2.
Variant type: single nucleotide variant.
Coding change: c.2549G>T on transcript NM_003072.5 (MANE Select); coding-DNA position 2549, G replaced by T.
Protein change: p.Ser850Ile; replaces serine 850 with isoleucine.
Molecular consequence: missense variant. On other transcripts: non-coding transcript variant (1).
Genome position (GRCh38, 1-based): chr19:11,019,634, G>T. VCF-style: chr19-11019634-G-T. GRCh37 (hg19) VCF-style: chr19-11130310-G-T.
Other names: c.2549G>T, p.Ser850Ile (NM_001128844.3, NM_001128845.2, NM_001128846.2 and 5 more transcripts); c.2549G>T (NM_001128849.1); short protein forms S850I.
Identifiers: ClinVar variation 1483957 (VCV001483957.10), dbSNP rs1394680906, ClinGen allele CA404054466.

ClinVar aggregate classification (germline): Uncertain significance. Review status: criteria provided, multiple submitters, no conflicts (2 of 4 stars). 3 submissions from 3 submitters: Uncertain significance (3). Last evaluated 2024-12-10.

Conditions:
Hereditary cancer-predisposing syndrome. Also called: Hereditary neoplastic syndrome; Neoplastic Syndromes, Hereditary; Hereditary Cancer Syndrome; Tumor predisposition. Identifiers: Orphanet 140162, MedGen C0027672, MeSH D009386, MONDO:0015356.
Rhabdoid tumor predisposition syndrome 2 (RTPS2). Identifiers: Orphanet 231108, Orphanet 69077, MedGen C2750074, MONDO:0013224, OMIM 613325.

Allele frequency attached by ClinVar (database versions not stated): gnomAD exomes below 0.00001; TOPMed below 0.00001; gnomAD 0.00001.
gnomAD v4.1: 4 of 1,613,496 alleles (0.00025%); highest among the groups gnomAD compares: Non-Finnish European, 0.00034%; no homozygotes.

Submissions (3):

Ambry Genetics
Classification: Uncertain significance for Hereditary cancer-predisposing syndrome. Last evaluated: 2024-12-10. Review status: criteria provided, single submitter. Criteria: Ambry Variant Classification Scheme 2023. Collection method: clinical testing. Allele origin: germline.
Comment: The p.S850I variant (also known as c.2549G>T), located in coding exon 17 of the SMARCA4 gene, results from a G to T substitution at nucleotide position 2549. The serine at codon 850 is replaced by isoleucine, an amino acid with dissimilar properties. This amino acid position is conserved. In addition, this alteration is predicted to be deleterious by in silico analysis. Based on the available evidence, the clinical significance of this variant remains unclear.

Labcorp Genetics (formerly Invitae), Labcorp
Classification: Uncertain significance for Rhabdoid tumor predisposition syndrome 2. Last evaluated: 2024-08-01. Review status: criteria provided, single submitter. Criteria: Invitae Variant Classification Sherloc (09022015). Collection method: clinical testing. Allele origin: germline.
Comment: This sequence change replaces serine, which is neutral and polar, with isoleucine, which is neutral and non-polar, at codon 850 of the SMARCA4 protein (p.Ser850Ile). This variant is not present in population databases (gnomAD no frequency). This variant has not been reported in the literature in individuals affected with SMARCA4-related conditions. ClinVar contains an entry for this variant (Variation ID: 1483957). Advanced modeling of protein sequence and biophysical properties (such as structural, functional, and spatial information, amino acid conservation, physicochemical variation, residue mobility, and thermodynamic stability) has been performed at Invitae for this missense variant, however the output from this modeling did not meet the statistical confidence thresholds required to predict the impact of this variant on SMARCA4 protein function. In summary, the available evidence is currently insufficient to determine the role of this variant in disease. Therefore, it has been classified as a Variant of Uncertain Significance.

Baylor Genetics
Classification: Uncertain significance for Rhabdoid tumor predisposition syndrome 2. Last evaluated: 2024-03-15. Review status: criteria provided, single submitter. Criteria: ACMG Guidelines, 2015. Collection method: clinical testing. Allele origin: unknown.